The following is an entry in ClinVar:

NM_005633.4(SOS1):c.1808C>G (p.Ala603Gly)

Gene: SOS1 (SOS Ras/Rac guanine nucleotide exchange factor 1; minus strand). Cytogenetic location: 2p22.1.
Variant type: single nucleotide variant.
Coding change: c.1808C>G on transcript NM_005633.4 (MANE Select); coding-DNA position 1808, C replaced by G.
Protein change: p.Ala603Gly; replaces alanine 603 with glycine.
Molecular consequence: missense variant.
Genome position (GRCh38, 1-based): chr2:39,022,620, G>C on the plus strand (C>G on the coding strand, the complement: SOS1 is on the minus strand). VCF-style: chr2-39022620-G-C. GRCh37 (hg19) VCF-style: chr2-39249761-G-C.
Other names: c.1787C>G, p.Ala596Gly (NM_001382394.1); c.1808C>G, p.Ala603Gly (NM_001382395.1); short protein forms A596G, A603G.
Identifiers: ClinVar variation 4083030 (VCV004083030.2).

ClinVar aggregate classification (germline): Uncertain significance. Review status: criteria provided, multiple submitters, no conflicts (2 of 4 stars). 2 submissions from 2 submitters: Uncertain significance (2). Last evaluated 2025-05-27.

Conditions:
RASopathy. Also called: Noonan spectrum disorder; rasopathies. Identifiers: Orphanet 536391, MedGen C5555857, MONDO:0021060.

Submissions (2):

Labcorp Genetics (formerly Invitae), Labcorp
Classification: Uncertain significance for RASopathy. Last evaluated: 2025-05-27. Review status: criteria provided, single submitter. Criteria: Invitae Variant Classification Sherloc (09022015). Collection method: clinical testing. Allele origin: germline.
Comment: This sequence change replaces alanine, which is neutral and non-polar, with glycine, which is neutral and non-polar, at codon 603 of the SOS1 protein (p.Ala603Gly). This variant is not present in population databases (gnomAD no frequency). This variant has not been reported in the literature in individuals affected with SOS1-related conditions. Invitae Evidence Modeling of protein sequence and biophysical properties (such as structural, functional, and spatial information, amino acid conservation, physicochemical variation, residue mobility, and thermodynamic stability) indicates that this missense variant is not expected to disrupt SOS1 protein function with a negative predictive value of 95%. In summary, the available evidence is currently insufficient to determine the role of this variant in disease. Therefore, it has been classified as a Variant of Uncertain Significance.

GeneDx
Classification: Uncertain significance. Last evaluated: 2025-03-05. Review status: criteria provided, single submitter. Criteria: GeneDx Variant Classification Process June 2021. Collection method: clinical testing. Allele origin: germline. Affected: yes.
Comment: Not observed at significant frequency in large population cohorts (gnomAD); Missense variants in this gene are a common cause of disease and they are underrepresented in the general population; In silico analysis indicates that this missense variant does not alter protein structure/function; Has not been previously published as pathogenic or benign to our knowledge; This variant is associated with the following publications: (PMID: 29493581)